The following is an entry in ClinVar:

NM_007186.6(CEP250):c.3033+5C>T

Gene: CEP250 (centrosomal protein 250; plus strand). Cytogenetic location: 20q11.22.
Variant type: single nucleotide variant.
Coding change: c.3033+5C>T on transcript NM_007186.6 (MANE Select); 5 bases into the intron after coding-DNA position 3033, C replaced by T.
Molecular consequence: intron variant.
Genome position (GRCh38, 1-based): chr20:35,493,577, C>T. VCF-style: chr20-35493577-C-T. GRCh37 (hg19) VCF-style: chr20-34081404-C-T.
Other names: c.1137+5C>T (NM_001318219.1).
Identifiers: ClinVar variation 3041500 (VCV003041500.2), dbSNP rs2516059230, ClinGen allele CA645609282.

ClinVar aggregate classification (germline): Likely benign (0 of 4 stars; one submission).

Conditions:
CEP250-related disorder. Also called: CEP250-related condition.

Submission:

PreventionGenetics, part of Exact Sciences
Classification: Likely benign for CEP250-related condition. Last evaluated: 2019-08-28. Review status: no assertion criteria provided. Collection method: clinical testing. Allele origin: germline.
Comment: This variant is classified as likely benign based on ACMG/AMP sequence variant interpretation guidelines (Richards et al. 2015 PMID: 25741868, with internal and published modifications).